The following is an entry in ClinVar:

ClinVar aggregate classification (germline): Pathogenic (1 of 4 stars; one submission).

Conditions:
Epidermolysis bullosa simplex 3, localized or generalized intermediate, with BP230 deficiency (EBS3). Also called: Epidermolysis bullosa simplex, autosomal recessive 2; Epidermolysis bullosa simplex due to BP230 deficiency. Identifiers: Orphanet 412181, MedGen C3809470, MONDO:0014180, OMIM 615425.
Hereditary sensory and autonomic neuropathy type 6. Also called: HSAN VI; Neuropathy, hereditary sensory and autonomic, type VI. Identifiers: Orphanet 314381, MedGen C3539003, MONDO:0013839, OMIM 614653.

Submission:

Labcorp Genetics (formerly Invitae), Labcorp
Classification: Pathogenic for Epidermolysis bullosa simplex 3, localized or generalized intermediate, with BP230 deficiency; Hereditary sensory and autonomic neuropathy type 6. Last evaluated: 2024-11-20. Review status: criteria provided, single submitter. Criteria: Invitae Variant Classification Sherloc (09022015). Collection method: clinical testing. Allele origin: germline.
Comment: The DST gene has multiple clinically relevant transcripts. This variant occurs in alternate transcript NM_015548.4, and corresponds to NM_001723.5:c.*122460_*122472del in the primary transcript. This sequence change creates a premature translational stop signal (p.Met4186Ilefs*17) in the DST gene. It is expected to result in an absent or disrupted protein product. Loss-of-function variants in DST are known to be pathogenic (PMID: 22522446, 25059916, 30371979). This variant is not present in population databases (gnomAD no frequency). This variant has not been reported in the literature in individuals affected with DST-related conditions. For these reasons, this variant has been classified as Pathogenic.

Literature cited by the submitters: PubMed 22522446; PubMed 25059916; PubMed 30371979.

NM_001374736.1(DST):c.20427_20439del (p.Met6809fs)

Gene: DST (dystonin; minus strand). Cytogenetic location: 6p12.1.
Variant type: Deletion.
Coding change: c.20427_20439del on transcript NM_001374736.1 (MANE Select); coding-DNA positions 20427 to 20439, 13 bases deleted (GGAGTTCCACAAT).
Protein change: p.Met6809fs; shifts the reading frame from methionine 6809.
Molecular consequence: frameshift variant.
Genome position (GRCh38, 1-based): chr6:56,493,045-56,493,057, ATTGTGGAACTCC deleted on the plus strand (GGAGTTCCACAAT on the coding strand, the reverse complement: DST is on the minus strand); deleting any 13 consecutive bases within chr6:56,493,045-56,493,061 gives the same sequence; the c. name uses the placement nearest the transcript's 3' end. VCF-style (leftmost placement, unchanged base first): chr6-56493044-AATTGTGGAACTCC-A. GRCh37 (hg19) VCF-style: chr6-56357842-AATTGTGGAACTCC-A.
Other names: c.14070_14082del, p.Met4690fs (NM_001144769.5); c.13656_13668del, p.Met4552fs (NM_001144770.2); c.20427_20439del, p.Met6809fs (NM_001374722.1); c.19467_19479del, p.Met6489fs (NM_001374729.1); c.13209_13221del, p.Met4403fs (NM_001374730.1); c.20454_20466del, p.Met6818fs (NM_001374734.1); c.13536_13548del, p.Met4512fs (NM_001386100.1, NM_183380.4); c.12558_12570del, p.Met4186fs (NM_015548.5); short protein forms M4186fs, M4403fs, M4512fs, M4552fs, M4690fs, M6489fs, M6809fs, M6818fs.
Identifiers: ClinVar variation 3759837 (VCV003759837.2).
Genomic context (GRCh38, chr6:56,493,044, plus strand): 5'-GAGAAGCTACATTTAGGGTCTGTTCAGCCTGAGTAAGCCAGTTGATGAAGTCTTGGAGAG[AATTGTGGAACTCC>A]ATTGCCAAGTTGAGAGCCTCTTCCAGTTTAGTCTGCAAGGACAGATTGTTTAGTATGTGA-3'